The following is an entry in ClinVar:

NM_020436.5(SALL4):c.216C>T (p.His72=)

Gene: SALL4 (spalt like transcription factor 4; minus strand). Cytogenetic location: 20q13.2.
Variant type: single nucleotide variant.
Coding change: c.216C>T on transcript NM_020436.5 (MANE Select); coding-DNA position 216, C replaced by T.
Protein change: p.His72=; no amino-acid change (histidine 72 retained).
Molecular consequence: synonymous variant.
Genome position (GRCh38, 1-based): chr20:51,792,267, G>A on the plus strand (C>T on the coding strand, the complement: SALL4 is on the minus strand). VCF-style: chr20-51792267-G-A. GRCh37 (hg19) VCF-style: chr20-50408806-G-A.
Other names: p.His72=; c.216C>T (LRG_675t1); c.216C>T, p.His72= (NM_001318031.2).
Identifiers: ClinVar variation 338786 (VCV000338786.15), dbSNP rs138604469, ClinGen allele CA9912508.

ClinVar aggregate classification (germline): Conflicting classifications of pathogenicity. Review status: criteria provided, conflicting classifications (1 of 4 stars). 5 submissions from 5 submitters: Uncertain significance (1); Likely benign (4). Last evaluated 2026-03-01.

Conditions:
Duane-radial ray syndrome (DRRS). Also called: ACRORENOOCULAR SYNDROME; DR SYNDROME; DUANE ANOMALY WITH RADIAL RAY ABNORMALITIES AND DEAFNESS; Duane-Radial Ray Syndrome/Okihiro Syndrome; Duane-Radial Ray Syndrome (DRRS) / Okihiro Syndrome; Okihiro Syndrome. Identifiers: Orphanet 93293, Orphanet 959, MedGen C1623209, MONDO:0011812, OMIM 607323. Disease mechanism: gain of function.

Allele frequency attached by ClinVar (database versions not stated): gnomAD 0.00003; TOPMed 0.00006; ExAC 0.00010; ESP Exome Variant Server 0.00015; 1000 Genomes Project 30x 0.00016; 1000 Genomes Project 0.00020.
gnomAD v4.1: 72 of 1,613,162 alleles (0.0045%); highest among the groups gnomAD compares: African/African-American, 0.012%; 1 homozygote.

Submissions (5):

CeGaT Center for Human Genetics Tuebingen
Classification: Likely benign. Last evaluated: 2026-03-01. Review status: criteria provided, single submitter. Criteria: CeGaT Center For Human Genetics Tuebingen Variant Classification Criteria Version 2. Collection method: clinical testing. Allele origin: germline. Affected: yes. Observed: 1 variant allele.
Comment: SALL4: BP4, BP7

Mayo Clinic Laboratories, Mayo Clinic
Classification: Likely benign. Last evaluated: 2025-03-30. Review status: criteria provided, single submitter. Criteria: ACMG Guidelines, 2015. Collection method: clinical testing. Allele origin: germline. Observed: 1 variant allele.
Comment: BP4, BP7

Labcorp Genetics (formerly Invitae), Labcorp
Classification: Likely benign for Duane-radial ray syndrome. Last evaluated: 2024-11-18. Review status: criteria provided, single submitter. Criteria: Invitae Variant Classification Sherloc (09022015). Collection method: clinical testing. Allele origin: germline.

Blueprint Genetics
Classification: Likely benign. Last evaluated: 2024-08-07. Review status: criteria provided, single submitter. Criteria: ACMG Guidelines, 2015. Collection method: clinical testing. Allele origin: germline.

Eurofins Ntd Llc (ga)
Classification: Uncertain significance. Last evaluated: 2017-04-17. Review status: criteria provided, single submitter. Criteria: EGL Classification Definitions 2015. Collection method: clinical testing. Allele origin: germline. Observed: 1 variant allele, 1 heterozygote.